The following is an entry in ClinVar:

NM_001162501.2(TNRC6B):c.445G>T (p.Gly149Trp)

Gene: TNRC6B (trinucleotide repeat containing adaptor 6B; plus strand). Cytogenetic location: 22q13.1.
Variant type: single nucleotide variant.
Coding change: c.445G>T on transcript NM_001162501.2 (MANE Select); coding-DNA position 445, G replaced by T.
Protein change: p.Gly149Trp; replaces glycine 149 with tryptophan.
Molecular consequence: missense variant.
Genome position (GRCh38, 1-based): chr22:40,262,161, G>T. VCF-style: chr22-40262161-G-T. GRCh37 (hg19) VCF-style: chr22-40658165-G-T.
Other names: c.553G>T, p.Gly185Trp (NM_001024843.2); c.445G>T, p.Gly149Trp (NM_015088.3); short protein forms G149W, G185W.
Identifiers: ClinVar variation 3897097 (VCV003897097.1).

ClinVar aggregate classification (germline): Uncertain significance (1 of 4 stars; one submission).

Submission:

GeneDx
Classification: Uncertain significance. Last evaluated: 2024-11-01. Review status: criteria provided, single submitter. Criteria: GeneDx Variant Classification Process June 2021. Collection method: clinical testing. Allele origin: germline. Affected: yes.
Comment: Not observed at significant frequency in large population cohorts (gnomAD); In silico analysis indicates that this missense variant does not alter protein structure/function; Has not been previously published as pathogenic or benign to our knowledge